The following is an entry in ClinVar:

ClinVar aggregate classification (germline): Pathogenic (1 of 4 stars; one submission).

Submission:

Labcorp Genetics (formerly Invitae), Labcorp
Classification: Pathogenic. Last evaluated: 2022-08-27. Review status: criteria provided, single submitter. Criteria: Invitae Variant Classification Sherloc (09022015). Collection method: clinical testing. Allele origin: germline.
Comment: For these reasons, this variant has been classified as Pathogenic. This variant has not been reported in the literature in individuals affected with PROM1-related conditions. This variant is a gross deletion of the genomic region encompassing exon(s) 10 of the PROM1 gene. This deletion is out-of-frame, and is expected to create a premature termination codon and result in an absent or disrupted protein product. Loss-of-function variants in PROM1 are known to be pathogenic (PMID: 17605048, 19718270, 24154662, 25474345).

Literature cited by the submitters: PubMed 17605048; PubMed 19718270; PubMed 24154662; PubMed 25474345.

NC_000004.11:g.(?_16014878)_(16014981_?)del

Gene: PROM1 (prominin 1; minus strand). Cytogenetic location: 4p15.32.
Variant type: Deletion.
Identifiers: ClinVar variation 2425460 (VCV002425460.4).